The following is an entry in ClinVar:

NM_001367823.1(ARHGEF18):c.2194C>T (p.Pro732Ser)

Gene: ARHGEF18 (Rho/Rac guanine nucleotide exchange factor 18; plus strand). Cytogenetic location: 19p13.2.
Variant type: single nucleotide variant.
Coding change: c.2194C>T on transcript NM_001367823.1 (MANE Select); coding-DNA position 2194, C replaced by T.
Protein change: p.Pro732Ser; replaces proline 732 with serine.
Molecular consequence: missense variant.
Genome position (GRCh38, 1-based): chr19:7,458,524, C>T. VCF-style: chr19-7458524-C-T. GRCh37 (hg19) VCF-style: chr19-7523410-C-T.
Other names: c.1468C>T, p.Pro490Ser (NM_001130955.2); c.1156C>T, p.Pro386Ser (NM_001367824.1, NM_015318.4); c.1630C>T (NM_001130955.1); short protein forms P386S, P490S, P732S.
Identifiers: ClinVar variation 1000087 (VCV001000087.5), dbSNP rs959370544, ClinGen allele CA304894613.

ClinVar aggregate classification (germline): Uncertain significance. Review status: criteria provided, multiple submitters, no conflicts (2 of 4 stars). 2 submissions from 2 submitters: Uncertain significance (2). Last evaluated 2025-04-20.

Conditions:
Inborn genetic diseases. Identifiers: MedGen C0950123, MeSH D030342.

Allele frequency attached by ClinVar (database versions not stated): gnomAD 0.00003 and 0.00002; gnomAD exomes 0.00001; TOPMed 0.00002.
gnomAD v4.1: 18 of 1,613,906 alleles (0.0011%); highest among the groups gnomAD compares: Non-Finnish European, 0.0014%; no homozygotes.

Submissions (2):

Ambry Genetics
Classification: Uncertain significance for Inborn genetic diseases. Last evaluated: 2025-04-20. Review status: criteria provided, single submitter. Criteria: Ambry Variant Classification Scheme 2023. Collection method: clinical testing. Allele origin: germline.

Labcorp Genetics (formerly Invitae), Labcorp
Classification: Uncertain significance. Last evaluated: 2022-03-09. Review status: criteria provided, single submitter. Criteria: Invitae Variant Classification Sherloc (09022015). Collection method: clinical testing. Allele origin: germline.
Comment: In summary, the available evidence is currently insufficient to determine the role of this variant in disease. Therefore, it has been classified as a Variant of Uncertain Significance. Algorithms developed to predict the effect of missense changes on protein structure and function (SIFT, PolyPhen-2, Align-GVGD) all suggest that this variant is likely to be disruptive. ClinVar contains an entry for this variant (Variation ID: 1000087). This variant has not been reported in the literature in individuals affected with ARHGEF18-related conditions. This variant is present in population databases (no rsID available, gnomAD 0.003%). This sequence change replaces proline, which is neutral and non-polar, with serine, which is neutral and polar, at codon 544 of the ARHGEF18 protein (p.Pro544Ser).